The following is an entry in ClinVar:

ClinVar aggregate classification (germline): Likely benign. Review status: criteria provided, multiple submitters, no conflicts (2 of 4 stars). 4 submissions from 4 submitters: Likely benign (4). Last evaluated 2025-03-15.

Conditions:
Cardiovascular phenotype. Identifiers: MedGen CN230736.
Hypercholesterolemia, familial, 4 (FHCL4). Also called: HYPERCHOLESTEROLEMIA, AUTOSOMAL RECESSIVE, 1; HYPERCHOLESTEROLEMIA, AUTOSOMAL RECESSIVE, 2. Identifiers: Orphanet 391665, MedGen C1863512, MONDO:0011374, OMIM 603813.

Allele frequency attached by ClinVar (database versions not stated): gnomAD exomes 0.00001 and 0.00002; ExAC 0.00002; TOPMed 0.00008; ESP Exome Variant Server 0.00015; 1000 Genomes Project 0.00020; 1000 Genomes Project 30x 0.00031.
gnomAD v4.1: 28 of 1,613,988 alleles (0.0017%); highest among the groups gnomAD compares: African/African-American, 0.032%; no homozygotes.

Submissions (4):

Ambry Genetics
Classification: Likely benign for Cardiovascular phenotype. Last evaluated: 2025-03-15. Review status: criteria provided, single submitter. Criteria: Ambry Variant Classification Scheme 2023. Collection method: clinical testing. Allele origin: germline.

Labcorp Genetics (formerly Invitae), Labcorp
Classification: Likely benign for Hypercholesterolemia, familial, 4. Last evaluated: 2024-10-21. Review status: criteria provided, single submitter. Criteria: Invitae Variant Classification Sherloc (09022015). Collection method: clinical testing. Allele origin: germline.

GENinCode PLC
Classification: Likely benign for Hypercholesterolemia, familial, 4. Last evaluated: 2023-12-21. Review status: criteria provided, single submitter. Criteria: ACMG Guidelines, 2015. Collection method: clinical testing. Allele origin: germline.
Comment: This is a synonymous (silent) variant that is not predicted by SpliceAI to impact splicing. In addition, it occurs at a nucleotide that is not conserved. Therefore this variant has been classified as Likely Benign (BP4, BP7).

Genome-Nilou Lab
Classification: Likely benign for Hypercholesterolemia, familial, 4. Last evaluated: 2023-04-11. Review status: criteria provided, single submitter. Criteria: ACMG Guidelines, 2015. Collection method: clinical testing. Allele origin: germline. Affected: no.

NM_015627.3(LDLRAP1):c.600C>T (p.Thr200=)

Gene: LDLRAP1 (low density lipoprotein receptor adaptor protein 1; plus strand). Cytogenetic location: 1p36.11.
Variant type: single nucleotide variant.
Coding change: c.600C>T on transcript NM_015627.3 (MANE Select); coding-DNA position 600, C replaced by T.
Protein change: p.Thr200=; no amino-acid change (threonine 200 retained).
Molecular consequence: synonymous variant.
Genome position (GRCh38, 1-based): chr1:25,563,137, C>T. VCF-style: chr1-25563137-C-T. GRCh37 (hg19) VCF-style: chr1-25889628-C-T.
Identifiers: ClinVar variation 697830 (VCV000697830.16), dbSNP rs138872203, ClinGen allele CA695640.
Genomic context (GRCh38, chr1:25,563,137, plus strand): 5'-GAAGAGGGACAAAGCCAGCCAAGAGGGAGGGGACGTCCTGGGGGCCCGCCAAGACTGCAC[C>T]CCCTCCTTGAAGAGCTGTGAGTCCTGACGGGGAAGGGGGATTGGCCATGCGGTGTTGGGG-3'
Protein context (NP_056442.2, residues 190-210): GDVLGARQDC[Thr200=]PSLKSLVATG